The following is an entry in ClinVar:

ClinVar aggregate classification (germline): Pathogenic (1 of 4 stars; one submission).

Conditions:
Neurofibromatosis, type 1 (NF1). Also called: NEUROFIBROMATOSIS, TYPE I, SOMATIC; VON RECKLINGHAUSEN DISEASE; Peripheral type neurofibromatosis; Neurofibromatosis, type I. Identifiers: Orphanet 636, MedGen C0027831, MONDO:0018975, OMIM 162200. Disease mechanism: loss of function.

Submission:

Labcorp Genetics (formerly Invitae), Labcorp
Classification: Pathogenic for Neurofibromatosis, type 1. Last evaluated: 2025-10-18. Review status: criteria provided, single submitter. Criteria: Invitae Variant Classification Sherloc (09022015). Collection method: clinical testing. Allele origin: germline.
Comment: This sequence change inserts a large fragment of DNA, likely a transposable element, in exon 45 of the NF1 gene (c.6852_6853ins?), causing a frameshift at codon 2284 (p.Leu2284fs). The exact size and sequence of the insertion cannot be determined by the current assay. However, the insertion is expected to result in an absent or disrupted protein product. This variant is not present in population databases (gnomAD no frequency). This variant has not been reported in the literature in individuals affected with NF1-related conditions. Retrotransposon insertions including LINE1 (L1), Alu, and SVA (SINE-VNTR-Alu) have been reported to be disease-causing through disruption of either a coding region or splice site (PMID: 19763152, 20307669, 22406018) and loss-of-function variants in NF1 are known to be pathogenic (PMID: 10712197, 23913538). For these reasons, this variant has been classified as Pathogenic.

Literature cited by the submitters: PubMed 19763152; PubMed 20307669; PubMed 22406018; PubMed 10712197; PubMed 23913538.

NM_001042492.3(NF1):c.6915_6916insTTTTTTTTTTTTTTTTTTTTNNNNNNNNNNTAGCTGGGACTACAGGCGCCCGCCACTACGCCCGGCTAATTTTTTGTATTTTTAGTAGAGACGGGGTTTCACCGACAGCCACTTCTT (p.Asn2306delinsPhePhePhePhePhePheXaaXaaXaaXaaTer)

Gene: NF1 (neurofibromin 1; plus strand). Cytogenetic location: 17q11.2.
Variant type: Insertion.
Coding change: c.6915_6916insTTTTTTTTTTTTTTTTTTTTNNNNNNNNNNTAGCTGGGACTACAGGCGCCCGCCACTACGCCCGGCTAATTTTTTGTATTTTTAGTAGAGACGGGGTTTCACCGACAGCCACTTCTT on transcript NM_001042492.3 (MANE Select); coding-DNA positions 6915 to 6916, TTTTTTTTTTTTTTTTTTTTNNNNNNNNNNTAGCTGGGACTACAGGCGCCCGCCACTACGCCCGGCTAATTTTTTGTATTTTTAGTAGAGACGGGGTTTCACCGACAGCCACTTCTT inserted.
Protein change: p.Asn2306delinsPhePhePhePhePhePheXaaXaaXaaXaaTer.
Molecular consequence: nonsense.
Genome position: GRCh38: chr17:31,338,799-31,338,800. GRCh37 (hg19): chr17:29,665,817-29,665,818.
Other names: c.6852_6853insTTTTTTTTTTTTTTTTTTTTNNNNNNNNNNTAGCTGGGACTACAGGCGCCCGCCACTACGCCCGGCTAATTTTTTGTATTTTTAGTAGAGACGGGGTTTCACCGACAGCCACTTCTT, p.Asn2285_Tyr2619delinsPhePhePhePhePhePheXaaXaaXaaXaaTer (NM_000267.4).
Identifiers: ClinVar variation 1452461 (VCV001452461.6), dbSNP rs2151559362.